The following is an entry in ClinVar:

ClinVar aggregate classification (germline): Likely benign (1 of 4 stars; one submission).

Allele frequency attached by ClinVar (database versions not stated): gnomAD 0.00001; TOPMed 0.00001; gnomAD exomes 0.00002; ExAC 0.00003.
gnomAD v4.1: 37 of 1,611,782 alleles (0.0023%); highest among the groups gnomAD compares: South Asian, 0.0077%; no homozygotes.

Submission:

CeGaT Center for Human Genetics Tuebingen
Classification: Likely benign. Last evaluated: 2023-03-01. Review status: criteria provided, single submitter. Criteria: CeGaT Center For Human Genetics Tuebingen Variant Classification Criteria Version 2. Collection method: clinical testing. Allele origin: germline. Affected: yes. Observed: 1 variant allele.
Comment: TNIK: BP4, BP7

NM_015028.4(TNIK):c.2952G>A (p.Thr984=)

Gene: TNIK (TRAF2 and NCK interacting kinase; minus strand). Cytogenetic location: 3q26.2.
Variant type: single nucleotide variant.
Coding change: c.2952G>A on transcript NM_015028.4 (MANE Select); coding-DNA position 2952, G replaced by A.
Protein change: p.Thr984=; no amino-acid change (threonine 984 retained).
Molecular consequence: synonymous variant.
Genome position (GRCh38, 1-based): chr3:171,085,164, C>T on the plus strand (G>A on the coding strand, the complement: TNIK is on the minus strand). VCF-style: chr3-171085164-C-T. GRCh37 (hg19) VCF-style: chr3-170802953-C-T.
Other names: c.2928G>A, p.Thr976= (NM_001161560.3); c.2865G>A, p.Thr955= (NM_001161561.3); c.2841G>A, p.Thr947= (NM_001161562.3); c.2787G>A, p.Thr929= (NM_001161563.3); c.2763G>A, p.Thr921= (NM_001161564.3); c.2700G>A, p.Thr900= (NM_001161565.3); c.2676G>A, p.Thr892= (NM_001161566.3).
Identifiers: ClinVar variation 2498941 (VCV002498941.28), dbSNP rs753162293, ClinGen allele CA2703058.